The following is an entry in ClinVar:

NM_000135.4(FANCA):c.3273C>T (p.Cys1091=)

Gene: FANCA (FA complementation group A; minus strand). Cytogenetic location: 16q24.3.
Variant type: single nucleotide variant.
Coding change: c.3273C>T on transcript NM_000135.4 (MANE Select); coding-DNA position 3273, C replaced by T.
Protein change: p.Cys1091=; no amino-acid change (cysteine 1091 retained).
Molecular consequence: synonymous variant.
Genome position (GRCh38, 1-based): chr16:89,748,734, G>A on the plus strand (C>T on the coding strand, the complement: FANCA is on the minus strand). VCF-style: chr16-89748734-G-A. GRCh37 (hg19) VCF-style: chr16-89815142-G-A.
Other names: c.3273C>T, p.Cys1091= (NM_001286167.3); c.3273C>T (NM_000135.2).
Identifiers: ClinVar variation 1117716 (VCV001117716.14), dbSNP rs1450151864, ClinGen allele CA497195887.

ClinVar aggregate classification (germline): Likely benign. Review status: criteria provided, multiple submitters, no conflicts (2 of 4 stars). 3 submissions from 3 submitters: Likely benign (3). Last evaluated 2026-03-01.

Conditions:
Fanconi anemia (FA). Also called: Fanconi's anemia. Identifiers: Orphanet 84, MedGen C0015625, MeSH D005199, MONDO:0019391.
Inborn genetic diseases. Identifiers: MedGen C0950123, MeSH D030342.

Allele frequency attached by ClinVar (database versions not stated): gnomAD 0.00001.
gnomAD v4.1: 12 of 1,613,942 alleles (0.00074%); highest among the groups gnomAD compares: African/African-American, 0.0053%; no homozygotes.

Submissions (3):

CeGaT Center for Human Genetics Tuebingen
Classification: Likely benign. Last evaluated: 2026-03-01. Review status: criteria provided, single submitter. Criteria: CeGaT Center For Human Genetics Tuebingen Variant Classification Criteria Version 2. Collection method: clinical testing. Allele origin: germline. Affected: yes. Observed: 1 variant allele.
Comment: FANCA: BP4, BP7

Labcorp Genetics (formerly Invitae), Labcorp
Classification: Likely benign for Fanconi anemia. Last evaluated: 2026-01-09. Review status: criteria provided, single submitter. Criteria: Invitae Variant Classification Sherloc (09022015). Collection method: clinical testing. Allele origin: germline.

Ambry Genetics
Classification: Likely benign for Inborn genetic diseases. Last evaluated: 2024-11-17. Review status: criteria provided, single submitter. Criteria: Ambry Variant Classification Scheme 2023. Collection method: clinical testing. Allele origin: germline.